The following is an entry in ClinVar:

NM_000094.4(COL7A1):c.6180+23A>T

Gene: COL7A1 (collagen type VII alpha 1 chain; minus strand). Cytogenetic location: 3p21.31.
Variant type: single nucleotide variant.
Coding change: c.6180+23A>T on transcript NM_000094.4 (MANE Select); 23 bases into the intron after coding-DNA position 6180, A replaced by T.
Molecular consequence: intron variant.
Genome position (GRCh38, 1-based): chr3:48,575,316, T>A on the plus strand (A>T on the coding strand, the complement: COL7A1 is on the minus strand). VCF-style: chr3-48575316-T-A. GRCh37 (hg19) VCF-style: chr3-48612749-T-A.
Identifiers: ClinVar variation 449004 (VCV000449004.2), dbSNP rs1553854648, ClinGen allele CA658657292.
Genomic context (GRCh38, chr3:48,575,316, plus strand): 5'-AGCGGGTGAGGGCCAAGCCCATGGGGGGTCCCACCCCTCCCAACCCCTCTTCCCTCACTC[T>A]CCTGGCCAGCCCCCAGCCTCACCCTCTCTCCTGGCCTTCCTGCCTCTCCCACACCCCCAG-3'

ClinVar aggregate classification (germline): Uncertain significance (1 of 4 stars; one submission).

Submission:

GeneDx
Classification: Uncertain significance. Last evaluated: 2017-04-18. Review status: criteria provided, single submitter. Criteria: GeneDx Variant Classification (06012015). Collection method: clinical testing. Allele origin: germline. Affected: yes.
Comment: The c.6180+23 A>T variant in the COL7A1 gene has not been published as a pathogenic variant, nor has it been reported as a benign variant to our knowledge. This variant is not observed in large population cohorts (Lek et al., 2016; 1000 Genomes Consortium et al., 2015; Exome Variant Server). Several in-silico splice prediction models predict that c.6180+23 A>T creates a cryptic donor site which may supplant the natural donor site and lead to abnormal gene splicing. However, in the absence of RNA/functional studies, the actual effect of this sequence change in this individual is unknown. Based on the currently available information, it is unclear whether this variant is a pathogenic variant or a rare benign variant. We consider it to be a variant of uncertain significance.